The following is an entry in ClinVar:

ClinVar aggregate classification (germline): Uncertain significance. Review status: criteria provided, multiple submitters, no conflicts (2 of 4 stars). 5 submissions from 5 submitters: Uncertain significance (5). Last evaluated 2025-06-24.

Conditions:
Hereditary cancer-predisposing syndrome. Also called: Tumor predisposition; Hereditary neoplastic syndrome; Hereditary Cancer Syndrome; Neoplastic Syndromes, Hereditary. Identifiers: Orphanet 140162, MedGen C0027672, MeSH D009386, MONDO:0015356.
Familial cancer of breast. Also called: BREAST CANCER, FAMILIAL; Hereditary breast cancer; hereditary breast carcinoma. Identifiers: Orphanet 227535, MedGen C0346153, MONDO:0016419, OMIM 114480. Disease mechanism: loss of function.

Allele frequency attached by ClinVar (database versions not stated): gnomAD exomes below 0.00001; gnomAD 0.00001; TOPMed below 0.00001.
gnomAD v4.1: 8 of 1,602,366 alleles (0.0005%); highest among the groups gnomAD compares: East Asian, 0.011%; no homozygotes.

Submissions (5):

Labcorp Genetics (formerly Invitae), Labcorp
Classification: Uncertain significance for Familial cancer of breast. Last evaluated: 2025-06-24. Review status: criteria provided, single submitter. Criteria: Invitae Variant Classification Sherloc (09022015). Collection method: clinical testing. Allele origin: germline.
Comment: This sequence change replaces serine, which is neutral and polar, with phenylalanine, which is neutral and non-polar, at codon 22 of the BARD1 protein (p.Ser22Phe). The frequency data for this variant in the population databases is considered unreliable, as metrics indicate poor data quality at this position in the gnomAD database. This variant has not been reported in the literature in individuals affected with BARD1-related conditions. ClinVar contains an entry for this variant (Variation ID: 232367). An algorithm developed to predict the effect of missense changes on protein structure and function (PolyPhen-2) suggests that this variant is likely to be tolerated. In summary, the available evidence is currently insufficient to determine the role of this variant in disease. Therefore, it has been classified as a Variant of Uncertain Significance.

Ambry Genetics
Classification: Uncertain significance for Hereditary cancer-predisposing syndrome. Last evaluated: 2024-11-23. Review status: criteria provided, single submitter. Criteria: Ambry Variant Classification Scheme 2023. Collection method: clinical testing. Allele origin: germline.
Comment: The p.S22F variant (also known as c.65C>T), located in coding exon 1 of the BARD1 gene, results from a C to T substitution at nucleotide position 65. The serine at codon 22 is replaced by phenylalanine, an amino acid with highly dissimilar properties. This amino acid position is poorly conserved in available vertebrate species. In addition, this alteration is predicted to be tolerated by in silico analysis. Since supporting evidence is limited at this time, the clinical significance of this alteration remains unclear.

GeneDx
Classification: Uncertain significance. Last evaluated: 2023-10-19. Review status: criteria provided, single submitter. Criteria: GeneDx Variant Classification Process June 2021. Collection method: clinical testing. Allele origin: germline.
Comment: Not observed at significant frequency in large population cohorts (gnomAD); In silico analysis supports that this missense variant does not alter protein structure/function; Observed in individuals with a personal history of colorectal cancer and in unaffected controls (Fujita et al., 2020); This variant is associated with the following publications: (PMID: 31371347, 33309985)

Women's Health and Genetics/Laboratory Corporation of America, LabCorp
Classification: Uncertain significance. Last evaluated: 2021-03-07. Review status: criteria provided, single submitter. Criteria: LabCorp Variant Classification Summary - May 2015. Collection method: clinical testing. Allele origin: germline.
Comment: Variant summary: BARD1 c.65C>T (p.Ser22Phe) results in a non-conservative amino acid change in the encoded protein sequence. Three of five in-silico tools predict a benign effect of the variant on protein function. The variant allele was found at a frequency of 4.4e-06 in 226010 control chromosomes. The available data on variant occurrences in the general population are insufficient to allow any conclusion about variant significance. c.65C>T has been reported in the literature with a final classification as benign in a large population-based screening study for hereditary colorectal cancer in Japan reporting its identification in individuals affected with colorectal cancer and in unaffected controls (Fujita_2020). This report does not provide unequivocal conclusions about association of the variant with Hereditary Breast And Ovarian Cancer Syndrome and/or BARD1-related disease. To our knowledge, no experimental evidence demonstrating an impact on protein function has been reported. Three clinical diagnostic laboratories have submitted clinical-significance assessments for this variant to ClinVar after 2014 without evidence for independent evaluation. All laboratories classified the variant as uncertain significance. Based on the evidence outlined above, the variant was classified as uncertain significance.

Color Diagnostics, LLC DBA Color Health
Classification: Uncertain significance for Hereditary cancer-predisposing syndrome. Last evaluated: 2019-06-23. Review status: criteria provided, single submitter. Criteria: ACMG Guidelines, 2015. Collection method: clinical testing. Allele origin: germline.

Literature cited by the submitters: PubMed 31371347 (cited by Women's Health and Genetics/Laboratory Corporation of America, LabCorp); PubMed 33309985 (cited by Women's Health and Genetics/Laboratory Corporation of America, LabCorp).

NM_000465.4(BARD1):c.65C>T (p.Ser22Phe)

Gene: BARD1 (BRCA1 associated RING domain 1; minus strand). Cytogenetic location: 2q35.
Variant type: single nucleotide variant.
Coding change: c.65C>T on transcript NM_000465.4 (MANE Select); coding-DNA position 65, C replaced by T.
Protein change: p.Ser22Phe; replaces serine 22 with phenylalanine.
Molecular consequence: missense variant. On other transcripts: non-coding transcript variant (3).
Genome position (GRCh38, 1-based): chr2:214,809,505, G>A on the plus strand (C>T on the coding strand, the complement: BARD1 is on the minus strand). VCF-style: chr2-214809505-G-A. GRCh37 (hg19) VCF-style: chr2-215674229-G-A.
Other names: c.65C>T, p.Ser22Phe (NM_001282543.2, NM_001282545.2, NM_001282548.2 and 1 more transcripts); short protein forms S22F.
Identifiers: ClinVar variation 232367 (VCV000232367.21), dbSNP rs876659724, ClinGen allele CA10577867.